The following is an entry in ClinVar:

NM_000038.6(APC):c.1409-5A>T

Gene: APC (APC regulator of Wnt signaling pathway; plus strand). Cytogenetic location: 5q22.2.
Variant type: single nucleotide variant.
Coding change: c.1409-5A>T on transcript NM_000038.6 (MANE Select); 5 bases into the intron before coding-DNA position 1409, A replaced by T.
Molecular consequence: intron variant.
Genome position (GRCh38, 1-based): chr5:112,827,103, A>T. VCF-style: chr5-112827103-A-T. GRCh37 (hg19) VCF-style: chr5-112162800-A-T.
Other names: c.1286-5A>T (NM_001354900.2); c.1232-5A>T (NM_001354901.2, NM_001407453.1); c.929-5A>T (NM_001354905.2); c.560-5A>T (NM_001407470.1, NM_001354906.2); c.257-5A>T (NM_001407472.1, NM_001407471.1); c.1463-5A>T (NM_001407447.1, NM_001407448.1, NM_001407449.1 and 1 more transcripts); c.1409-5A>T (NM_001354895.2, NM_001407450.1, NM_001127510.3); c.1160-5A>T (NM_001407456.1, NM_001407457.1, NM_001407455.1 and 1 more transcripts); and 11 more.
Identifiers: ClinVar variation 3148647 (VCV003148647.1), dbSNP rs768109346, ClinGen allele CA2709728220.

ClinVar aggregate classification (germline): Likely benign (1 of 4 stars; one submission).

Conditions:
Familial adenomatous polyposis 1 (FAP1). Also called: POLYPOSIS, ADENOMATOUS INTESTINAL; FAMILIAL ADENOMATOUS POLYPOSIS 1, ATTENUATED. Identifiers: MedGen C2713442, MONDO:0021056, OMIM 175100. Disease mechanism: loss of function.

Submission:

Myriad Genetics, Inc.
Classification: Likely benign for Familial adenomatous polyposis 1. Last evaluated: 2024-03-01. Review status: criteria provided, single submitter. Criteria: Myriad Autosomal Dominant, Autosomal Recessive and X-Linked Classification Criteria (2023). Collection method: clinical testing. Allele origin: unknown.
Comment: This variant is considered likely benign. This variant is intronic and is not expected to impact mRNA splicing.